The following is an entry in ClinVar:

ClinVar aggregate classification (germline): Likely benign. Review status: criteria provided, multiple submitters, no conflicts (2 of 4 stars). 6 submissions from 6 submitters: Likely benign (5). 1 of the submissions does not count toward it. Last evaluated 2026-01-28.

Conditions:
Immunodeficiency 23 (IMD23). Also called: IMMUNODEFICIENCY WITH HYPER IgE AND COGNITIVE IMPAIRMENT; IMMUNODEFICIENCY-VASCULITIS-MYOCLONUS SYNDROME. Identifiers: Orphanet 443811, MedGen C4014371, MONDO:0014353, OMIM 615816.
PGM3-related disorder. Also called: PGM3-related condition.
Inborn genetic diseases. Identifiers: MedGen C0950123, MeSH D030342.

Allele frequency attached by ClinVar (database versions not stated): gnomAD exomes 0.00010 and 0.00027; ExAC 0.00025; 1000 Genomes Project 0.00040; 1000 Genomes Project 30x 0.00047; ESP Exome Variant Server 0.00085; gnomAD 0.00127 and 0.00141; TOPMed 0.00128.
gnomAD v4.1: 351 of 1,607,048 alleles (0.022%); highest among the groups gnomAD compares: African/African-American, 0.4%; no homozygotes.

Submissions (6):

Labcorp Genetics (formerly Invitae), Labcorp
Classification: Likely benign for Immunodeficiency 23. Last evaluated: 2026-01-28. Review status: criteria provided, single submitter. Criteria: Invitae Variant Classification Sherloc (09022015). Collection method: clinical testing. Allele origin: germline.

Ambry Genetics
Classification: Likely benign for Inborn genetic diseases. Last evaluated: 2025-04-14. Review status: criteria provided, single submitter. Criteria: Ambry Variant Classification Scheme 2023. Collection method: clinical testing. Allele origin: germline.

Blueprint Genetics
Classification: Likely benign. Last evaluated: 2023-11-20. Review status: criteria provided, single submitter. Criteria: ACMG Guidelines, 2015. Collection method: clinical testing. Allele origin: germline.

Women's Health and Genetics/Laboratory Corporation of America, LabCorp
Classification: Likely benign. Last evaluated: 2023-11-09. Review status: criteria provided, single submitter. Criteria: LabCorp Variant Classification Summary - May 2015. Collection method: clinical testing. Allele origin: germline.
Comment: Variant summary: PGM3 c.1258G>C (p.Glu420Gln) results in a conservative amino acid change located in Phosphoacetylglucosamine mutase AMG1, domain III (IPR049022) of the encoded protein sequence. Five of five in-silico tools predict a benign effect of the variant on protein function. The variant allele was found at a frequency of 0.00027 in 246380 control chromosomes, predominantly at a frequency of 0.0034 within the African or African-American subpopulation in the gnomAD database. The observed variant frequency within African or African-American control individuals in the gnomAD database is approximately 9.62 fold of the estimated maximal expected allele frequency for a pathogenic variant in PGM3 causing Severe Combined Immunodeficiency phenotype (0.00035), strongly suggesting that the variant is a benign polymorphism found primarily in populations of African or African-American origin. To our knowledge, no occurrence of c.1258G>C in individuals affected with Severe Combined Immunodeficiency and no experimental evidence demonstrating its impact on protein function have been reported. Two submitters have cited clinical-significance assessments for this variant to ClinVar after 2014. All submitters classified the variant as likely benign. Based on the evidence outlined above, the variant was classified as likely benign.

Genetic Services Laboratory, University of Chicago
Classification: Likely benign. Last evaluated: 2021-12-23. Review status: criteria provided, single submitter. Criteria: ACMG Guidelines, 2015. Collection method: clinical testing. Allele origin: germline. Affected: no.

PreventionGenetics, part of Exact Sciences
Classification: Likely benign for PGM3-related condition. Last evaluated: 2023-08-23. Review status: no assertion criteria provided. Collection method: clinical testing. Allele origin: germline. Not counted in ClinVar's aggregate classification.
Comment: This variant is classified as likely benign based on ACMG/AMP sequence variant interpretation guidelines (Richards et al. 2015 PMID: 25741868, with internal and published modifications).

NM_015599.3(PGM3):c.1174G>C (p.Glu392Gln)

Gene: PGM3 (phosphoglucomutase 3; minus strand). Cytogenetic location: 6q14.1.
Variant type: single nucleotide variant.
Coding change: c.1174G>C on transcript NM_015599.3 (MANE Select); coding-DNA position 1174, G replaced by C.
Protein change: p.Glu392Gln; replaces glutamic acid 392 with glutamine.
Molecular consequence: missense variant. On other transcripts: non-coding transcript variant (1).
Genome position (GRCh38, 1-based): chr6:83,174,442, C>G on the plus strand (G>C on the coding strand, the complement: PGM3 is on the minus strand). VCF-style: chr6-83174442-C-G. GRCh37 (hg19) VCF-style: chr6-83884161-C-G.
Other names: c.1258G>C, p.Glu420Gln (NM_001199917.2, NM_001367287.1); c.931G>C, p.Glu311Gln (NM_001199918.2); c.1174G>C, p.Glu392Gln (NM_001199919.2, NM_001367286.1); short protein forms E420Q, E392Q, E311Q.
Identifiers: ClinVar variation 541848 (VCV000541848.20), dbSNP rs149679266, ClinGen allele CA3906600.